The following is an entry in ClinVar:

NM_001267550.2(TTN):c.1494_1496del (p.Ile499del)

Gene: TTN (titin; minus strand). Cytogenetic location: 2q31.2.
Variant type: Deletion.
Coding change: c.1494_1496del on transcript NM_001267550.2 (MANE Select); coding-DNA positions 1494 to 1496, 3 bases deleted (AAT; older notation c.1494_1496delAAT).
Protein change: p.Ile499del; deletes isoleucine 499.
Molecular consequence: inframe deletion.
Genome position (GRCh38, 1-based): chr2:178,793,444-178,793,446, ATT deleted on the plus strand (AAT on the coding strand, the reverse complement: TTN is on the minus strand); deleting any 3 consecutive bases within chr2:178,793,444-178,793,447 gives the same sequence; the c. name uses the placement nearest the transcript's 3' end. VCF-style (leftmost placement, unchanged base first): chr2-178793443-AATT-A. GRCh37 (hg19) VCF-style: chr2-179658170-AATT-A.
Other names: c.1494_1496del, p.Ile499del (NM_001256850.1, NM_003319.4, NM_133378.4 and 3 more transcripts); c.1494_1496delAAT (NM_003319.4); c.1494_1496del (NM_001267550.1); short protein forms I499del.
Identifiers: ClinVar variation 594553 (VCV000594553.8), dbSNP rs750748086, ClinGen allele CA2006036.

ClinVar aggregate classification (germline): Uncertain significance. Review status: criteria provided, multiple submitters, no conflicts (2 of 4 stars). 3 submissions from 3 submitters: Uncertain significance (3). Last evaluated 2024-01-23.

Conditions:
Cardiovascular phenotype. Identifiers: MedGen CN230736.

Submissions (3):

GeneDx
Classification: Uncertain significance. Last evaluated: 2024-01-23. Review status: criteria provided, single submitter. Criteria: GeneDx Variant Classification Process June 2021. Collection method: clinical testing. Allele origin: germline. Affected: yes.
Comment: Not observed at significant frequency in large population cohorts (gnomAD); In-frame deletion of one amino acid in a gene in which most reported pathogenic variants are truncating/loss-of-function; In silico analysis is inconclusive as to whether the variant alters gene splicing. In the absence of RNA/functional studies, the actual effect of this sequence change is unknown.; Has not been previously published as pathogenic or benign to our knowledge

Ambry Genetics
Classification: Uncertain significance for Cardiovascular phenotype. Last evaluated: 2021-11-29. Review status: criteria provided, single submitter. Criteria: Ambry Variant Classification Scheme 2023. Collection method: clinical testing. Allele origin: germline.
Comment: The c.1494_1496delAAT variant (also known as p.I499del) is located in coding exon 8 of the TTN gene. This variant results from an in-frame AAT deletion at nucleotide positions 1494 to 1496. This results in the in-frame deletion of an isoleucine at codon 499. This amino acid position is well conserved in available vertebrate species. In addition, this alteration is predicted to be deleterious by in silico analysis (Choi Y et al. PLoS ONE. 2012; 7(10):e46688). Since supporting evidence is limited at this time, the clinical significance of this alteration remains unclear.

Eurofins Ntd Llc (ga)
Classification: Uncertain significance. Last evaluated: 2017-10-20. Review status: criteria provided, single submitter. Criteria: EGL Classification Definitions 2015. Collection method: clinical testing. Allele origin: germline. Observed: 1 variant allele, 1 heterozygote.